The following is an entry in ClinVar:

ClinVar aggregate classification (germline): Likely pathogenic (1 of 4 stars; one submission).

Conditions:
Autosomal dominant familial hematuria-retinal arteriolar tortuosity-contractures syndrome. Also called: Angiopathy, hereditary, with nephropathy, aneurysms, and muscle cramps; Hereditary Angiopathy with Nephropathy, Aneurysms, and Muscle Cramps (HANAC) Syndrome. Identifiers: Orphanet 73229, MedGen C2673195, MONDO:0012726, OMIM 611773.

Submission:

MVZ Medizinische Genetik Mainz
Classification: Likely pathogenic for Autosomal dominant familial hematuria-retinal arteriolar tortuosity-contractures syndrome. Last evaluated: 2025-03-05. Review status: criteria provided, single submitter. Criteria: UK Practice Guidelines For Variant Classification V4 01 2020. Collection method: clinical testing. Allele origin: germline. Inheritance: Autosomal dominant inheritance. Affected: yes. Observed: 1 variant allele.
Comment: ACMG Criteria: PVS1,PM2_SUP

NM_001845.6(COL4A1):c.469-3_469-2del

Gene: COL4A1 (collagen type IV alpha 1 chain; minus strand). Cytogenetic location: 13q34.
Variant type: Deletion.
Coding change: c.469-3_469-2del on transcript NM_001845.6 (MANE Select); 3 bases into the intron before coding-DNA position 469 through the canonical splice acceptor site of the intron before coding-DNA position 469, 2 bases deleted (TA; older notation c.469-3_469-2delTA).
Molecular consequence: splice acceptor variant.
Genome position (GRCh38, 1-based): chr13:110,210,214-110,210,215, TA deleted on the plus strand (TA on the coding strand, the reverse complement: COL4A1 is on the minus strand). VCF-style (leftmost placement, unchanged base first): chr13-110210213-CTA-C. GRCh37 (hg19) VCF-style: chr13-110862560-CTA-C.
Other names: c.469-3_469-2del (NM_001303110.2).
Identifiers: ClinVar variation 3774584 (VCV003774584.1).